The following is an entry in ClinVar:

NM_012291.5(ESPL1):c.116G>A (p.Ser39Asn)

Gene: ESPL1 (extra spindle pole bodies like 1, separase; plus strand). Cytogenetic location: 12q13.13.
Variant type: single nucleotide variant.
Coding change: c.116G>A on transcript NM_012291.5 (MANE Select); coding-DNA position 116, G replaced by A.
Protein change: p.Ser39Asn; replaces serine 39 with asparagine.
Molecular consequence: missense variant.
Genome position (GRCh38, 1-based): chr12:53,269,058, G>A. VCF-style: chr12-53269058-G-A. GRCh37 (hg19) VCF-style: chr12-53662842-G-A.
Other names: short protein forms S39N.
Identifiers: ClinVar variation 4251081 (VCV004251081.2).

ClinVar aggregate classification (germline): Conflicting classifications of pathogenicity. Review status: criteria provided, conflicting classifications (1 of 4 stars). 2 submissions from 2 submitters: Uncertain significance (1); Likely benign (1). Last evaluated 2025-11-06.

Conditions:
ESPL1-related disorder. Also called: ESPL1-related condition.

gnomAD v4.1: 310 of 1,613,166 alleles (0.019%); highest among the groups gnomAD compares: African/African-American, 0.37%; 1 homozygote.

Submissions (2):

PreventionGenetics, part of Exact Sciences
Classification: Likely benign for ESPL1-related condition. Last evaluated: 2025-11-06. Review status: criteria provided, single submitter. Criteria: ACMG Guidelines, 2015. Collection method: clinical testing. Allele origin: germline.
Comment: This variant is classified as likely benign based on ACMG/AMP sequence variant interpretation guidelines (Richards et al. 2015 PMID: 25741868, with internal and published modifications).

Ambry Genetics
Classification: Uncertain significance. Last evaluated: 2025-08-25. Review status: criteria provided, single submitter. Criteria: Ambry Variant Classification Scheme 2023. Collection method: clinical testing. Allele origin: germline.